The following is an entry in ClinVar:

ClinVar aggregate classification (germline): Likely benign (1 of 4 stars; one submission).

Allele frequency attached by ClinVar (database versions not stated): ExAC 0.00127; 1000 Genomes Project 0.00180.
gnomAD v4.1: 1,813 of 1,611,184 alleles (0.11%); highest among the groups gnomAD compares: Middle Eastern, 3.3%; 18 homozygotes.

Submission:

CeGaT Center for Human Genetics Tuebingen
Classification: Likely benign. Last evaluated: 2026-08-01. Review status: criteria provided, single submitter. Criteria: CeGaT Center For Human Genetics Tuebingen Variant Classification Criteria Version 2. Collection method: clinical testing. Allele origin: germline. Affected: yes. Observed: 7 variant alleles.
Comment: AHNAK2: BP4, BS2

NM_138420.4(AHNAK2):c.2441G>A (p.Arg814Gln)

Gene: AHNAK2 (AHNAK nucleoprotein 2; minus strand). Cytogenetic location: 14q32.33.
Variant type: single nucleotide variant.
Coding change: c.2441G>A on transcript NM_138420.4 (MANE Select); coding-DNA position 2441, G replaced by A.
Protein change: p.Arg814Gln; replaces arginine 814 with glutamine.
Molecular consequence: missense variant.
Genome position (GRCh38, 1-based): chr14:104,953,010, C>T on the plus strand (G>A on the coding strand, the complement: AHNAK2 is on the minus strand). VCF-style: chr14-104953010-C-T. GRCh37 (hg19) VCF-style: chr14-105419347-C-T.
Other names: c.2141G>A, p.Arg714Gln (NM_001350929.2); short protein forms R714Q, R814Q.
Identifiers: ClinVar variation 2644880 (VCV002644880.24), dbSNP rs199658132, ClinGen allele CA7383506.